The following is an entry in ClinVar:

ClinVar aggregate classification (germline): Uncertain significance (1 of 4 stars; one submission).

Conditions:
Joubert syndrome. Also called: CEREBELLOPARENCHYMAL DISORDER IV; JOUBERT-BOLTSHAUSER SYNDROME; Familial aplasia of the vermis. Identifiers: Orphanet 475, MedGen C5979921, MONDO:0018772.

Submission:

Labcorp Genetics (formerly Invitae), Labcorp
Classification: Uncertain significance for Joubert syndrome. Last evaluated: 2022-02-22. Review status: criteria provided, single submitter. Criteria: Invitae Variant Classification Sherloc (09022015). Collection method: clinical testing. Allele origin: germline.
Comment: In summary, the available evidence is currently insufficient to determine the role of this variant in disease. Therefore, it has been classified as a Variant of Uncertain Significance. Experimental studies and prediction algorithms are not available or were not evaluated, and the functional significance of this variant is currently unknown. This variant has not been reported in the literature in individuals affected with AHI1-related conditions. This variant is not present in population databases (gnomAD no frequency). This variant, c.2963_2965del, results in the deletion of 1 amino acid(s) of the AHI1 protein (p.Glu988del), but otherwise preserves the integrity of the reading frame.

NC_000006.12:g.135404974CCT[1]

Gene: AHI1 (Abelson helper integration site 1; minus strand). Cytogenetic location: 6q23.3.
Variant type: Microsatellite.
Genome position: GRCh38 VCF-style: chr6-135404973-ACCT-A. GRCh37 (hg19) VCF-style: chr6-135726111-ACCT-A.
Identifiers: ClinVar variation 2102027 (VCV002102027.4), dbSNP rs2484181569, ClinGen allele CA2580615777.